The following is an entry in ClinVar:

NC_000015.9:g.(?_28231713)_(28235813_?)del

Gene: OCA2 (OCA2 melanosomal transmembrane protein; minus strand). Cytogenetic location: 15q13.1.
Variant type: Deletion.
Identifiers: ClinVar variation 1459895 (VCV001459895.7).

ClinVar aggregate classification (germline): Pathogenic (1 of 4 stars; one submission).

Submission:

Labcorp Genetics (formerly Invitae), Labcorp
Classification: Pathogenic. Last evaluated: 2022-06-20. Review status: criteria provided, single submitter. Criteria: Invitae Variant Classification Sherloc (09022015). Collection method: clinical testing. Allele origin: germline.
Comment: This variant has not been reported in the literature in individuals affected with OCA2-related conditions. For these reasons, this variant has been classified as Pathogenic. This variant disrupts a region of the OCA2 protein in which other variant(s) (p.Thr404Met) have been determined to be pathogenic (PMID: 23504663, 24361966, 27734839). This suggests that this is a clinically significant region of the protein, and that variants that disrupt it are likely to be disease-causing. This variant is a gross deletion of the genomic region encompassing exon(s) 10-12 of the OCA2 gene. This variant would be expected to be in-frame, preserving the integrity of the reading frame.

Literature cited by the submitters: PubMed 23504663; PubMed 24361966; PubMed 27734839.